The following is an entry in ClinVar:

ClinVar aggregate classification (germline): Likely pathogenic (0 of 4 stars; one submission).

Conditions:
DOCK3-related disorder. Also called: DOCK3-related condition.

Submission:

PreventionGenetics, part of Exact Sciences
Classification: Likely pathogenic for DOCK3-related condition. Last evaluated: 2024-05-03. Review status: no assertion criteria provided. Collection method: clinical testing. Allele origin: germline.
Comment: The DOCK3 c.2535_2538dupGTTT variant is predicted to result in a frameshift and premature protein termination (p.Ser847Valfs*112). To our knowledge, this variant has not been reported in the literature or in a large population database, indicating this variant is rare. Frameshift variants in DOCK3 are expected to be pathogenic. This variant is interpreted as likely pathogenic.

NM_004947.5(DOCK3):c.2535_2538dup (p.Ser847fs)

Gene: DOCK3 (dedicator of cytokinesis 3; plus strand). Cytogenetic location: 3p21.2.
Variant type: Duplication.
Coding change: c.2535_2538dup on transcript NM_004947.5 (MANE Select); coding-DNA positions 2535 to 2538, 4 bases duplicated (GTTT; older notation c.2535_2538dupGTTT).
Protein change: p.Ser847fs; shifts the reading frame from serine 847.
Molecular consequence: frameshift variant.
Genome position (GRCh38, 1-based): chr3:51,270,994-51,270,997, GTTT duplicated; duplicating any 4 consecutive bases within chr3:51,270,993-51,270,997 gives the same sequence; the c. name uses the placement nearest the transcript's 3' end. VCF-style (leftmost placement, unchanged base first): chr3-51270992-C-CTGTT. GRCh37 (hg19) VCF-style: chr3-51308423-C-CTGTT.
Other names: short protein forms S847fs.
Identifiers: ClinVar variation 3350497 (VCV003350497.1).